The following is an entry in ClinVar:

NM_001143981.2(CHRDL1):c.524G>A (p.Cys175Tyr)

Gene: CHRDL1 (chordin like 1; minus strand). Cytogenetic location: Xq23.
Variant type: single nucleotide variant.
Coding change: c.524G>A on transcript NM_001143981.2 (MANE Select); coding-DNA position 524, G replaced by A.
Protein change: p.Cys175Tyr; replaces cysteine 175 with tyrosine.
Molecular consequence: missense variant. On other transcripts: non-coding transcript variant (1), intron variant (1).
Genome position (GRCh38, 1-based): chrX:110,719,852, C>T on the plus strand (G>A on the coding strand, the complement: CHRDL1 is on the minus strand). VCF-style: chrX-110719852-C-T. GRCh37 (hg19) VCF-style: chrX-109963080-C-T.
Other names: c.521G>A, p.Cys174Tyr (NM_001143982.2, NM_001367207.1, NM_145234.4); c.524G>A, p.Cys175Tyr (NM_001367204.1, NM_001367205.1, NM_001367206.1 and 2 more transcripts); c.302-19131G>A (NM_001143983.3); short protein forms C174Y, C175Y.
Identifiers: ClinVar variation 1691216 (VCV001691216.2), dbSNP rs2148463798, ClinGen allele CA414226372.

ClinVar aggregate classification (germline): Uncertain significance (1 of 4 stars; one submission).

Submission:

GeneDx
Classification: Uncertain significance. Last evaluated: 2022-05-31. Review status: criteria provided, single submitter. Criteria: GeneDx Variant Classification Process June 2021. Collection method: clinical testing. Allele origin: germline. Affected: yes.
Comment: Not observed in large population cohorts (gnomAD); In silico analysis supports that this missense variant has a deleterious effect on protein structure/function; Has not been previously published as pathogenic or benign to our knowledge